The following is an entry in ClinVar:

ClinVar aggregate classification (germline): Pathogenic. Review status: criteria provided, multiple submitters, no conflicts (2 of 4 stars). 2 submissions from 2 submitters: Pathogenic (2). Last evaluated 2024-12-07.

Conditions:
Oligodontia-cancer predisposition syndrome. Also called: TOOTH AGENESIS-COLORECTAL CANCER SYNDROME. Identifiers: Orphanet 300576, MedGen C1837750, MONDO:0012075, OMIM 608615. Disease mechanism: loss of function.

Submissions (2):

Labcorp Genetics (formerly Invitae), Labcorp
Classification: Pathogenic for Oligodontia-cancer predisposition syndrome. Last evaluated: 2024-12-07. Review status: criteria provided, single submitter. Criteria: Invitae Variant Classification Sherloc (09022015). Collection method: clinical testing. Allele origin: germline.
Comment: This sequence change creates a premature translational stop signal (p.Ser3Trpfs*2) in the AXIN2 gene. It is expected to result in an absent or disrupted protein product. Loss-of-function variants in AXIN2 are known to be pathogenic (PMID: 15042511, 21416598). This variant is not present in population databases (gnomAD no frequency). This variant has not been reported in the literature in individuals affected with AXIN2-related conditions. ClinVar contains an entry for this variant (Variation ID: 2583427). For these reasons, this variant has been classified as Pathogenic.

Myriad Genetics, Inc.
Classification: Pathogenic for Oligodontia-cancer predisposition syndrome. Last evaluated: 2023-05-17. Review status: criteria provided, single submitter. Criteria: Myriad Autosomal Dominant, Autosomal Recessive and X-Linked Classification Criteria (2023). Collection method: clinical testing. Allele origin: unknown.
Comment: This variant is considered pathogenic. This variant creates a frameshift predicted to result in premature protein truncation.

Literature cited by the submitters: PubMed 15042511 (cited by Labcorp Genetics (formerly Invitae), Labcorp); PubMed 21416598 (cited by Labcorp Genetics (formerly Invitae), Labcorp).

NM_004655.4(AXIN2):c.7_16del (p.Ser3fs)

Gene: AXIN2 (axin 2; minus strand). Cytogenetic location: 17q24.1.
Variant type: Deletion.
Coding change: c.7_16del on transcript NM_004655.4 (MANE Select); coding-DNA positions 7 to 16, 10 bases deleted (AGCGCTATGT; older notation c.7_16delAGCGCTATGT).
Protein change: p.Ser3fs; shifts the reading frame from serine 3.
Molecular consequence: frameshift variant.
Genome position (GRCh38, 1-based): chr17:65,558,605-65,558,614, ACATAGCGCT deleted on the plus strand (AGCGCTATGT on the coding strand, the reverse complement: AXIN2 is on the minus strand); deleting any 10 consecutive bases within chr17:65,558,605-65,558,616 gives the same sequence; the c. name uses the placement nearest the transcript's 3' end. VCF-style (leftmost placement, unchanged base first): chr17-65558604-AACATAGCGCT-A. GRCh37 (hg19) VCF-style: chr17-63554722-AACATAGCGCT-A.
Other names: c.7_16del, p.Ser3fs (NM_001363813.1); short protein forms S3fs.
Identifiers: ClinVar variation 2583427 (VCV002583427.4), dbSNP rs2544256340, ClinGen allele CA2582342307.